The following is an entry in ClinVar:

ClinVar aggregate classification (germline): Uncertain significance (1 of 4 stars; one submission).

Submission:

Labcorp Genetics (formerly Invitae), Labcorp
Classification: Uncertain significance. Last evaluated: 2024-10-24. Review status: criteria provided, single submitter. Criteria: Invitae Variant Classification Sherloc (09022015). Collection method: clinical testing. Allele origin: germline.
Comment: This sequence change replaces leucine, which is neutral and non-polar, with histidine, which is basic and polar, at codon 369 of the CYP51A1 protein (p.Leu369His). This variant is not present in population databases (gnomAD no frequency). This variant has not been reported in the literature in individuals affected with CYP51A1-related conditions. An algorithm developed to predict the effect of missense changes on protein structure and function (PolyPhen-2) suggests that this variant is likely to be disruptive. In summary, the available evidence is currently insufficient to determine the role of this variant in disease. Therefore, it has been classified as a Variant of Uncertain Significance.

NM_000786.4(CYP51A1):c.1106T>A (p.Leu369His)

Gene: CYP51A1 (cytochrome P450 family 51 subfamily A member 1; minus strand). Cytogenetic location: 7q21.2.
Variant type: single nucleotide variant.
Coding change: c.1106T>A on transcript NM_000786.4 (MANE Select); coding-DNA position 1106, T replaced by A.
Protein change: p.Leu369His; replaces leucine 369 with histidine.
Molecular consequence: missense variant.
Genome position (GRCh38, 1-based): chr7:92,118,596, A>T on the plus strand (T>A on the coding strand, the complement: CYP51A1 is on the minus strand). VCF-style: chr7-92118596-A-T. GRCh37 (hg19) VCF-style: chr7-91747910-A-T.
Other names: c.791T>A, p.Leu264His (NM_001146152.2); short protein forms L264H, L369H.
Identifiers: ClinVar variation 2801753 (VCV002801753.3), dbSNP rs2535356877, ClinGen allele CA368170730.
Genomic context (GRCh38, chr7:92,118,596, plus strand): 5'-ATTCTCATCATGATCATTATAGGAGGTCTAAGTCTTAATGTTTCTTTTATACAGCGATCA[A>T]GTAAATTTAGATCCTTGAGCTAAAATGAGAAAGCATTTCCTGATTGTTATAAATAACATA-3'
Protein context (NP_000777.1, residues 359-379): TYDQLKDLNL[Leu369His]DRCIKETLRL